The following is an entry in ClinVar:

NM_001127208.3(TET2):c.1716T>G (p.Phe572Leu)

Genes: TET2 (tet methylcytosine dioxygenase 2; plus strand), TET2-AS1 (TET2 antisense RNA 1; minus strand). Cytogenetic location: 4q24.
Variant type: single nucleotide variant.
Coding change: c.1716T>G on transcript NM_001127208.3 (MANE Select); coding-DNA position 1716, T replaced by G.
Protein change: p.Phe572Leu; replaces phenylalanine 572 with leucine.
Molecular consequence: missense variant.
Genome position (GRCh38, 1-based): chr4:105,235,658, T>G. VCF-style: chr4-105235658-T-G. GRCh37 (hg19) VCF-style: chr4-106156815-T-G.
Other names: c.1716T>G, p.Phe572Leu (NM_017628.4); short protein forms F572L.
Identifiers: ClinVar variation 3805881 (VCV003805881.1).

ClinVar aggregate classification (germline): Uncertain significance (1 of 4 stars; one submission).

gnomAD v4.1: 6 of 1,614,140 alleles (0.00037%); highest among the groups gnomAD compares: Non-Finnish European, 0.00051%; no homozygotes.

Submission:

Ambry Genetics
Classification: Uncertain significance. Last evaluated: 2024-12-20. Review status: criteria provided, single submitter. Criteria: Ambry Variant Classification Scheme 2023. Collection method: clinical testing. Allele origin: germline.
Comment: The p.F572L variant (also known as c.1716T>G), located in coding exon 1 of the TET2 gene, results from a T to G substitution at nucleotide position 1716. The phenylalanine at codon 572 is replaced by leucine, an amino acid with highly similar properties. This amino acid position is conserved. In addition, this alteration is predicted to be tolerated by in silico analysis. Based on the available evidence, the clinical significance of this variant remains unclear.